The following is an entry in ClinVar:

ClinVar aggregate classification (germline): Uncertain significance (1 of 4 stars; one submission).

Conditions:
Nephronophthisis. Also called: Juvenile Nephronophthisis. Identifiers: Orphanet 655, MedGen C0687120, MONDO:0019005, HP:0000090.

Allele frequency attached by ClinVar (database versions not stated): ExAC 0.00001; gnomAD 0.00001 and 0.00002; TOPMed 0.00001; ESP Exome Variant Server 0.00008; 1000 Genomes Project 30x 0.00016; 1000 Genomes Project 0.00020.
gnomAD v4.1: 17 of 1,613,196 alleles (0.0011%); highest among the groups gnomAD compares: East Asian, 0.0045%; no homozygotes.

Submission:

Labcorp Genetics (formerly Invitae), Labcorp
Classification: Uncertain significance for Nephronophthisis. Last evaluated: 2021-10-16. Review status: criteria provided, single submitter. Criteria: Invitae Variant Classification Sherloc (09022015). Collection method: clinical testing. Allele origin: germline.
Comment: This sequence change replaces arginine with glutamine at codon 928 of the INVS protein (p.Arg928Gln). The arginine residue is highly conserved and there is a small physicochemical difference between arginine and glutamine. This variant is present in population databases (rs376463532, ExAC 0.02%). This variant has not been reported in the literature in individuals affected with INVS-related conditions. Algorithms developed to predict the effect of missense changes on protein structure and function are either unavailable or do not agree on the potential impact of this missense change (SIFT: "Deleterious"; PolyPhen-2: "Probably Damaging"; Align-GVGD: "Class C0"). In summary, the available evidence is currently insufficient to determine the role of this variant in disease. Therefore, it has been classified as a Variant of Uncertain Significance.

NM_014425.5(INVS):c.2783G>A (p.Arg928Gln)

Gene: INVS (inversin; plus strand). Cytogenetic location: 9q31.1.
Variant type: single nucleotide variant.
Coding change: c.2783G>A on transcript NM_014425.5 (MANE Select); coding-DNA position 2783, G replaced by A.
Protein change: p.Arg928Gln; replaces arginine 928 with glutamine.
Molecular consequence: missense variant. On other transcripts: non-coding transcript variant (1).
Genome position (GRCh38, 1-based): chr9:100,293,040, G>A. VCF-style: chr9-100293040-G-A. GRCh37 (hg19) VCF-style: chr9-103055322-G-A.
Other names: c.2495G>A, p.Arg832Gln (NM_001318381.2); c.1805G>A, p.Arg602Gln (NM_001318382.2); short protein forms R928Q, R602Q, R832Q.
Identifiers: ClinVar variation 837772 (VCV000837772.5), dbSNP rs376463532, ClinGen allele CA5158691.